The following is an entry in ClinVar:

NM_001035.3(RYR2):c.3898A>G (p.Met1300Val)

Genes: RYR2 (ryanodine receptor 2; plus strand), LOC126806067 (BRD4-independent group 4 enhancer GRCh37_chr1:237753258-237754457; plus strand). Cytogenetic location: 1q43.
Variant type: single nucleotide variant.
Coding change: c.3898A>G on transcript NM_001035.3 (MANE Select); coding-DNA position 3898, A replaced by G.
Protein change: p.Met1300Val; replaces methionine 1300 with valine.
Molecular consequence: missense variant.
Genome position (GRCh38, 1-based): chr1:237,590,730, A>G. VCF-style: chr1-237590730-A-G. GRCh37 (hg19) VCF-style: chr1-237754030-A-G.
Other names: short protein forms M1300V.
Identifiers: ClinVar variation 921542 (VCV000921542.6), dbSNP rs769384124, ClinGen allele CA345397315.

ClinVar aggregate classification (germline): Uncertain significance. Review status: criteria provided, multiple submitters, no conflicts (2 of 4 stars). 2 submissions from 2 submitters: Uncertain significance (2). Last evaluated 2024-03-06.

Conditions:
Catecholaminergic polymorphic ventricular tachycardia (CVPT). Also called: Catecholamine-induced polymorphic ventricular tachycardia. Identifiers: Orphanet 3286, MedGen C5574922, MONDO:0017990.
Cardiomyopathy (CMYO). Also called: Cardiomyopathies. Identifiers: Orphanet 167848, MedGen C0878544, MONDO:0004994, HP:0001638. Inheritance: Various modes of inheritance.

Allele frequency attached by ClinVar (database versions not stated): gnomAD exomes below 0.00001.

Submissions (2):

Color Diagnostics, LLC DBA Color Health
Classification: Uncertain significance for Cardiomyopathy. Last evaluated: 2024-03-06. Review status: criteria provided, single submitter. Criteria: ACMG Guidelines, 2015. Collection method: clinical testing. Allele origin: germline.
Comment: This variant is located in the RYR2 protein. Computational prediction suggests that this variant may not impact protein structure and function (internally defined REVEL score threshold <= 0.5, PMID: 27666373). To our knowledge, functional studies have not been reported for this variant. This variant has not been reported in individuals affected with RYR2-related disorders in the literature. This variant has not been identified in the general population by the Genome Aggregation Database (gnomAD). The available evidence is insufficient to determine the role of this variant in disease conclusively. Therefore, this variant is classified as a Variant of Uncertain Significance.

All of Us Research Program, National Institutes of Health
Classification: Uncertain significance for Catecholaminergic polymorphic ventricular tachycardia. Last evaluated: 2023-02-24. Review status: criteria provided, single submitter. Criteria: ACMG Guidelines, 2015. Collection method: clinical testing. Allele origin: germline. Inheritance: Autosomal dominant inheritance. Observed: 1 variant allele, 1 heterozygote.
Comment: This missense variant replaces methionine with valine at codon 1300 of the RYR2 protein. Computational prediction tool suggests that this variant may not impact protein structure and function (internally defined REVEL score threshold <=0.5, PMID: 27666373). Splice site prediction tools suggest that this variant may not impact RNA splicing. To our knowledge, functional studies have not been performed for this variant. This variant has not been reported in individuals affected with cardiovascular disorders in the literature. This variant has not been identified in the general population by the Genome Aggregation Database (gnomAD). The available evidence is insufficient to determine the role of this variant in disease conclusively. Therefore, this variant is classified as a Variant of Uncertain Significance.

This study involves interpretation of variants in research participants for the purpose of population health screening. Participant phenotype was not available at the time of variant classification. Additional details can be found in publication PMID: 35346344, PMCID: PMC8962531